The following is an entry in ClinVar:

ClinVar aggregate classification (germline): Uncertain significance (1 of 4 stars; one submission).

Conditions:
Optic atrophy 3 (OPA3). Also called: OPTIC ATROPHY 3, AUTOSOMAL DOMINANT; Optic atrophy, cataract, and neurologic disorder; Optic atrophy 3 with cataract. Identifiers: Orphanet 67036, MedGen C1833809, MONDO:0008133, OMIM 165300.
3-Methylglutaconic aciduria type 3 (MGCA3). Also called: OPA3, AUTOSOMAL RECESSIVE; OPTIC ATROPHY 3, AUTOSOMAL RECESSIVE; OPA3-Related 3-Methylglutaconic Aciduria; Costeff Syndrome. Identifiers: Orphanet 67047, MedGen C0574084, MONDO:0009787, OMIM 258501.

Submission:

Labcorp Genetics (formerly Invitae), Labcorp
Classification: Uncertain significance for 3-Methylglutaconic aciduria type 3; Optic atrophy 3. Last evaluated: 2022-02-05. Review status: criteria provided, single submitter. Criteria: Invitae Variant Classification Sherloc (09022015). Collection method: clinical testing. Allele origin: germline.
Comment: Algorithms developed to predict the effect of missense changes on protein structure and function are either unavailable or do not agree on the potential impact of this missense change (SIFT: "Deleterious"; PolyPhen-2: "Probably Damaging"; Align-GVGD: "Class C0"). This sequence change replaces alanine, which is neutral and non-polar, with threonine, which is neutral and polar, at codon 46 of the OPA3 protein (p.Ala46Thr). This variant is not present in population databases (gnomAD no frequency). This variant has not been reported in the literature in individuals affected with OPA3-related conditions. In summary, the available evidence is currently insufficient to determine the role of this variant in disease. Therefore, it has been classified as a Variant of Uncertain Significance.

NM_025136.4(OPA3):c.136G>A (p.Ala46Thr)

Genes: OPA3 (outer mitochondrial membrane lipid metabolism regulator OPA3; minus strand), OPA3-RTN2 (OPA3-RTN2 readthrough; minus strand). Cytogenetic location: 19q13.32.
Variant type: single nucleotide variant.
Coding change: c.136G>A on transcript NM_025136.4 (MANE Select); coding-DNA position 136, G replaced by A.
Protein change: p.Ala46Thr; replaces alanine 46 with threonine.
Molecular consequence: missense variant.
Genome position (GRCh38, 1-based): chr19:45,584,629, C>T on the plus strand (G>A on the coding strand, the complement: OPA3 is on the minus strand). VCF-style: chr19-45584629-C-T. GRCh37 (hg19) VCF-style: chr19-46087887-C-T.
Other names: c.136G>A, p.Ala46Thr (NM_001017989.3); short protein forms A46T.
Identifiers: ClinVar variation 2093469 (VCV002093469.4), dbSNP rs2513861105, ClinGen allele CA406378124.
Genomic context (GRCh38, chr19:45,584,629, plus strand): 5'-CTGACAGGGGTTGGAGAAAGGAAAAAGGTTGGAGGGAATTCGGGTCAGACTCACGTTGAG[C>T]CGGCGGGAGGCAGATATAGGTCTTGAAGAACTCGCTTCGGCGGGCGGCCTCCTTAATACG-3'
Protein context (NP_079412.1, residues 36-56): FFKTYICLPP[Ala46Thr]QLYHWVEMRT